The following is an entry in ClinVar:

NM_016532.4(INPP5K):c.1140C>T (p.Ala380=)

Gene: INPP5K (inositol polyphosphate-5-phosphatase K; minus strand). Cytogenetic location: 17p13.3.
Variant type: single nucleotide variant.
Coding change: c.1140C>T on transcript NM_016532.4 (MANE Select); coding-DNA position 1140, C replaced by T.
Protein change: p.Ala380=; no amino-acid change (alanine 380 retained).
Molecular consequence: synonymous variant.
Genome position (GRCh38, 1-based): chr17:1,496,364, G>A on the plus strand (C>T on the coding strand, the complement: INPP5K is on the minus strand). VCF-style: chr17-1496364-G-A. GRCh37 (hg19) VCF-style: chr17-1399658-G-A.
Other names: c.912C>T, p.Ala304= (NM_001135642.2, NM_130766.3).
Identifiers: ClinVar variation 718460 (VCV000718460.40), dbSNP rs148962273, ClinGen allele CA8268347.

ClinVar aggregate classification (germline): Benign/Likely benign. Review status: criteria provided, multiple submitters, no conflicts (2 of 4 stars). 5 submissions from 5 submitters: Benign (1); Likely benign (4). Last evaluated 2026-10-01.

Conditions:
INPP5K-related disorder. Also called: INPP5K-related condition.

Allele frequency attached by ClinVar (database versions not stated): 1000 Genomes Project 0.00080; 1000 Genomes Project 30x 0.00094; gnomAD 0.00181 and 0.00217; gnomAD exomes 0.00183 and 0.00260; ESP Exome Variant Server 0.00193; TOPMed 0.00246; ExAC 0.00285.
gnomAD v4.1: 3,989 of 1,565,008 alleles (0.25%); highest among the groups gnomAD compares: Non-Finnish European, 0.3%; 12 homozygotes.

Submissions (5):

CeGaT Center for Human Genetics Tuebingen
Classification: Likely benign. Last evaluated: 2026-10-01. Review status: criteria provided, single submitter. Criteria: CeGaT Center For Human Genetics Tuebingen Variant Classification Criteria Version 2. Collection method: clinical testing. Allele origin: germline. Affected: yes. Observed: 20 variant alleles.
Comment: INPP5K: BP4, BP7, BS2

PreventionGenetics, part of Exact Sciences
Classification: Likely benign for INPP5K-related condition. Last evaluated: 2025-01-23. Review status: criteria provided, single submitter. Criteria: ACMG Guidelines, 2015. Collection method: clinical testing. Allele origin: germline.
Comment: This variant is classified as likely benign based on ACMG/AMP sequence variant interpretation guidelines (Richards et al. 2015 PMID: 25741868, with internal and published modifications).

Blueprint Genetics
Classification: Likely benign. Last evaluated: 2024-11-25. Review status: criteria provided, single submitter. Criteria: ACMG Guidelines, 2015. Collection method: clinical testing. Allele origin: germline.

Labcorp Genetics (formerly Invitae), Labcorp
Classification: Benign. Last evaluated: 2019-12-31. Review status: criteria provided, single submitter. Criteria: Invitae Variant Classification Sherloc (09022015). Collection method: clinical testing. Allele origin: germline.

Breakthrough Genomics
Classification: Likely benign. Review status: criteria provided, single submitter. Criteria: ACMG Guidelines, 2015. Collection method: not provided. Allele origin: germline. Inheritance: Autosomal recessive inheritance. Affected: yes.